The following is an entry in ClinVar:

NM_016938.5(EFEMP2):c.506G>A (p.Arg169His)

Gene: EFEMP2 (EGF-like fibulin extracellular matrix protein 2; minus strand). Cytogenetic location: 11q13.1.
Variant type: single nucleotide variant.
Coding change: c.506G>A on transcript NM_016938.5 (MANE Select); coding-DNA position 506, G replaced by A.
Protein change: p.Arg169His; replaces arginine 169 with histidine.
Molecular consequence: missense variant. On other transcripts: non-coding transcript variant (1).
Genome position (GRCh38, 1-based): chr11:65,870,222, C>T on the plus strand (G>A on the coding strand, the complement: EFEMP2 is on the minus strand). VCF-style: chr11-65870222-C-T. GRCh37 (hg19) VCF-style: chr11-65637693-C-T.
Other names: short protein forms R169H.
Identifiers: ClinVar variation 472828 (VCV000472828.21), dbSNP rs141310608, ClinGen allele CA6110628.

ClinVar aggregate classification (germline): Uncertain significance. Review status: criteria provided, multiple submitters, no conflicts (2 of 4 stars). 9 submissions from 9 submitters: Uncertain significance (7). 2 of the submissions do not count toward it. Last evaluated 2025-08-22.

Conditions:
EFEMP2-related disorder. Also called: EFEMP2-related condition.
Cardiovascular phenotype. Identifiers: MedGen CN230736.
Cutis laxa, autosomal recessive, type 1B (ARCL1B). Also called: CUTIS LAXA, AUTOSOMAL RECESSIVE, TYPE IB; EFEMP2-Related Cutis Laxa. Identifiers: Orphanet 90349, MedGen C3280798, MONDO:0013754, OMIM 614437. Disease mechanism: loss of function.

Allele frequency attached by ClinVar (database versions not stated): gnomAD 0.00006 and 0.00013; ExAC 0.00008; gnomAD exomes 0.00010 and 0.00018; TOPMed 0.00010; ESP Exome Variant Server 0.00038.

Submissions (9):

Women's Health and Genetics/Laboratory Corporation of America, LabCorp
Classification: Uncertain significance. Last evaluated: 2025-08-22. Review status: criteria provided, single submitter. Criteria: LabCorp Variant Classification Summary - May 2015. Collection method: clinical testing. Allele origin: germline.
Comment: Variant summary: EFEMP2 c.506G>A (p.Arg169His) results in a non-conservative amino acid change located in the EGF-like domain (IPR000742) of the encoded protein sequence. Algorithms developed to predict the effect of missense changes on protein structure and function all suggest that this variant is likely to be disruptive. The variant allele was found at a frequency of 9.6e-05 in 250720 control chromosomes. This frequency is not significantly higher than estimated for disease-causing variants in EFEMP2, allowing no conclusion about variant significance. c.506G>A has been observed in individual(s) affected with features of Autosomal Recessive Cutis Laxa and/or with features of musculoskeletal disorders (Alfares_2017, Maddirevula_2018, Westra_2019). These reports do not provide unequivocal conclusions about association of the variant with Autosomal Recessive Cutis Laxa. To our knowledge, no experimental evidence demonstrating an impact on protein function has been reported. The following publications have been ascertained in the context of this evaluation (PMID: 28454995, 29620724, 31127727). ClinVar contains an entry for this variant (Variation ID: 472828). Based on the evidence outlined above, the variant was classified as uncertain significance.

Ambry Genetics
Classification: Uncertain significance for Cardiovascular phenotype. Last evaluated: 2025-08-01. Review status: criteria provided, single submitter. Criteria: Ambry Variant Classification Scheme 2023. Collection method: clinical testing. Allele origin: germline.
Comment: The p.R169H variant (also known as c.506G>A), located in coding exon 5 of the EFEMP2 gene, results from a G to A substitution at nucleotide position 506. The arginine at codon 169 is replaced by histidine, an amino acid with highly similar properties. This variant has been identified in the homozygous state in individuals with features consistent with EFEMP2-related cutis laxa (Alfares A et al. Mol. Genet. Metab., 2017 06;121:91-95). This amino acid position is well conserved in available vertebrate species. In addition, the in silico prediction for this alteration is inconclusive. Since supporting evidence is limited at this time, the clinical significance of this alteration remains unclear.

ARUP Laboratories, Molecular Genetics and Genomics, ARUP Laboratories
Classification: Uncertain significance for Cutis laxa, autosomal recessive, type 1B. Last evaluated: 2025-07-10. Review status: criteria provided, single submitter. Criteria: ARUP Molecular Germline Variant Investigation Process 2024. Collection method: clinical testing. Allele origin: germline.
Comment: The EFEMP2 c.506G>A; p.Arg169His variant (rs141310608, ClinVar Variation ID: 472828) is reported in the literature in the homozygous state in individuals affected with neuromuscular disorders (Alfares 2017, Westra 2019) and an individual affected with skeletal dysplasia (Maddirevula 2018). This variant is found in the non-Finnish European population with an allele frequency of 0.018% (23/128572 alleles) in the Genome Aggregation Database (v2.1.1). Computational analyses are uncertain whether this variant is neutral or deleterious (REVEL: 0.613). Due to limited information, the clinical significance of this variant is uncertain at this time. References: Alfares A et al. A multicenter clinical exome study in unselected cohorts from a consanguineous population of Saudi Arabia demonstrated a high diagnostic yield. Mol Genet Metab. 2017 Jun;121(2):91-95. PMID: 28454995. Maddirevula S et al. Expanding the phenome and variome of skeletal dysplasia. Genet Med. 2018 Dec;20(12):1609-1616. PMID: 29620724. Westra D et al. Panel-Based Exome Sequencing for Neuromuscular Disorders as a Diagnostic Service. J Neuromuscul Dis. 2019;6(2):241-258. PMID: 31127727.

Fulgent Genetics
Classification: Uncertain significance for Cutis laxa, autosomal recessive, type 1B. Last evaluated: 2024-06-19. Review status: criteria provided, single submitter. Criteria: ACMG Guidelines, 2015. Collection method: clinical testing. Allele origin: germline.

Labcorp Genetics (formerly Invitae), Labcorp
Classification: Uncertain significance for Cutis laxa, autosomal recessive, type 1B. Last evaluated: 2022-07-30. Review status: criteria provided, single submitter. Criteria: Invitae Variant Classification Sherloc (09022015). Collection method: clinical testing. Allele origin: germline.
Comment: This sequence change replaces arginine, which is basic and polar, with histidine, which is basic and polar, at codon 169 of the EFEMP2 protein (p.Arg169His). This variant is present in population databases (rs141310608, gnomAD 0.02%). This missense change has been observed in individual(s) with clinical features of EFEMP2-related conditions (PMID: 28454995, 29620724, 31127727). ClinVar contains an entry for this variant (Variation ID: 472828). Algorithms developed to predict the effect of missense changes on protein structure and function (SIFT, PolyPhen-2, Align-GVGD) all suggest that this variant is likely to be disruptive. In summary, the available evidence is currently insufficient to determine the role of this variant in disease. Therefore, it has been classified as a Variant of Uncertain Significance.

Center for Genomics, Ann and Robert H. Lurie Children's Hospital of Chicago
Classification: Uncertain significance for Cutis laxa, autosomal recessive, type 1B. Last evaluated: 2021-03-30. Review status: criteria provided, single submitter. Criteria: ACMG Guidelines, 2015. Collection method: clinical testing. Allele origin: germline.
Comment: EFEMP2 NM_016938.5 exon 6 p.Arg169His (c.506G>A): This variant has been reported in the literature in one individual with features of a skeletal dysplasia, as well as reported as homozygous in one individual with an unspecified muscle disease (Alfares 2017 PMID:28454995, Maddirevula 2018 PMID:29620724). This variant is also present in 0.01% (23/128572) of European alleles in the Genome Aggregation Database and is present in ClinVar (Variation ID:472828). Evolutionary conservation and computational predictive tools suggest that this variant may impact the protein. In summary, data on this variant is insufficient for disease classification. Therefore, the clinical significance of this variant is uncertain.

GeneDx
Classification: Uncertain significance. Last evaluated: 2020-10-19. Review status: criteria provided, single submitter. Criteria: GeneDx Variant Classification Process June 2021. Collection method: clinical testing. Allele origin: germline. Affected: yes.
Comment: In silico analysis supports that this missense variant does not alter protein structure/function; This variant is associated with the following publications: (PMID: 31127727, 29620724, 28454995)

PreventionGenetics, part of Exact Sciences
Classification: Uncertain significance for EFEMP2-related condition. Last evaluated: 2023-11-10. Review status: no assertion criteria provided. Collection method: clinical testing. Allele origin: germline. Not counted in ClinVar's aggregate classification.
Comment: The EFEMP2 c.506G>A variant is predicted to result in the amino acid substitution p.Arg169His. This variant was reported in the homozygous state individuals with connective tissue disorder, scoliosis, joint dislocations, contractures and muscle disorder (Alfares et al. 2017. PubMed ID: 28454995; Maddirevula et al. 2018. PubMed ID: 29620724; Westra et al. 2019. PubMed ID: 31127727). In at least two cases, parents were from a consanguineous marriage. Functionnal characterization was not preformed. This variant is reported in 0.018% of alleles in individuals of European (Non-Finnish) descent in gnomAD. At this time, the clinical significance of this variant is uncertain due to the absence of conclusive functional and genetic evidence.

Biochemical Molecular Genetic Laboratory, King Abdulaziz Medical City
Classification: Likely pathogenic for Cutis laxa, autosomal recessive, type 1B. Last evaluated: 2019-09-26. Review status: no assertion criteria provided. Collection method: clinical testing. Allele origin: germline. Affected: yes. Not counted in ClinVar's aggregate classification.

Literature cited by the submitters: PubMed 31127727 (cited by 3 submitters); PubMed 29620724 (cited by 3 submitters); PubMed 28454995 (cited by 3 submitters).